The following is an entry in ClinVar:

NM_003331.5(TYK2):c.704G>A (p.Arg235Gln)

Gene: TYK2 (tyrosine kinase 2; minus strand). Cytogenetic location: 19p13.2.
Variant type: single nucleotide variant.
Coding change: c.704G>A on transcript NM_003331.5 (MANE Select); coding-DNA position 704, G replaced by A.
Protein change: p.Arg235Gln; replaces arginine 235 with glutamine.
Molecular consequence: missense variant. On other transcripts: intron variant (1).
Genome position (GRCh38, 1-based): chr19:10,365,824, C>T on the plus strand (G>A on the coding strand, the complement: TYK2 is on the minus strand). VCF-style: chr19-10365824-C-T. GRCh37 (hg19) VCF-style: chr19-10476500-C-T.
Other names: c.704G>A, p.Arg235Gln (NM_001385203.1, NM_001385204.1, NM_001385206.1 and 7 more transcripts); c.630-16G>A (NM_001385205.1); short protein forms R235Q.
Identifiers: ClinVar variation 1496031 (VCV001496031.5), dbSNP rs907669947, ClinGen allele CA305207426.

ClinVar aggregate classification (germline): Uncertain significance (1 of 4 stars; one submission).

Conditions:
Immunodeficiency 35 (IMD35). Also called: HIES WITH ATYPICAL MYCOBACTERIOSIS, AUTOSOMAL RECESSIVE; HYPER-IgE SYNDROME WITH ATYPICAL MYCOBACTERIOSIS, AUTOSOMAL RECESSIVE; TYK2 DEFICIENCY; Susceptibility to infection due to TYK2 deficiency. Identifiers: Orphanet 331226, MedGen C1969086, MONDO:0012682, OMIM 611521.

Allele frequency attached by ClinVar (database versions not stated): gnomAD exomes below 0.00001 and 0.00001; gnomAD 0.00003 and 0.00004; TOPMed 0.00005.
gnomAD v4.1: 13 of 1,612,288 alleles (0.00081%); highest among the groups gnomAD compares: African/African-American, 0.0053%; no homozygotes.

Submission:

Labcorp Genetics (formerly Invitae), Labcorp
Classification: Uncertain significance for Immunodeficiency 35. Last evaluated: 2022-08-19. Review status: criteria provided, single submitter. Criteria: Invitae Variant Classification Sherloc (09022015). Collection method: clinical testing. Allele origin: germline.
Comment: This sequence change replaces arginine, which is basic and polar, with glutamine, which is neutral and polar, at codon 235 of the TYK2 protein (p.Arg235Gln). This variant is present in population databases (no rsID available, gnomAD 0.004%). This variant has not been reported in the literature in individuals affected with TYK2-related conditions. ClinVar contains an entry for this variant (Variation ID: 1496031). Algorithms developed to predict the effect of missense changes on protein structure and function are either unavailable or do not agree on the potential impact of this missense change (SIFT: "Not Available"; PolyPhen-2: "Benign"; Align-GVGD: "Not Available"). Algorithms developed to predict the effect of sequence changes on RNA splicing suggest that this variant may create or strengthen a splice site. In summary, the available evidence is currently insufficient to determine the role of this variant in disease. Therefore, it has been classified as a Variant of Uncertain Significance.